The following is an entry in ClinVar:

NM_001387011.1(AMBRA1):c.3874A>G (p.Arg1292Gly)

Gene: AMBRA1 (autophagy and beclin 1 regulator 1; minus strand). Cytogenetic location: 11p11.2.
Variant type: single nucleotide variant.
Coding change: c.3874A>G on transcript NM_001387011.1 (MANE Select); coding-DNA position 3874, A replaced by G.
Protein change: p.Arg1292Gly; replaces arginine 1292 with glycine.
Molecular consequence: missense variant. On other transcripts: non-coding transcript variant (1).
Genome position (GRCh38, 1-based): chr11:46,397,473, T>C on the plus strand (A>G on the coding strand, the complement: AMBRA1 is on the minus strand). VCF-style: chr11-46397473-T-C. GRCh37 (hg19) VCF-style: chr11-46419023-T-C.
Other names: c.3883A>G, p.Arg1295Gly (NM_001267782.2); c.3517A>G, p.Arg1173Gly (NM_001267783.2); c.3694A>G, p.Arg1232Gly (NM_001300731.2); c.3874A>G, p.Arg1292Gly (NM_001367468.1); c.3337A>G, p.Arg1113Gly (NM_001367469.1); c.3067A>G, p.Arg1023Gly (NM_001367470.1); c.3604A>G, p.Arg1202Gly (NM_001367471.1, NM_017749.3); short protein forms R1023G, R1113G, R1173G, R1202G, R1232G, R1292G, R1295G.
Identifiers: ClinVar variation 2629998 (VCV002629998.1), dbSNP rs773330938, ClinGen allele CA5963947.

ClinVar aggregate classification (germline): Uncertain significance (1 of 4 stars; one submission).

Conditions:
AMBRA1-related disorder. Also called: AMBRA1-related condition.

Allele frequency attached by ClinVar (database versions not stated): gnomAD exomes 0.00001; ExAC 0.00002; TOPMed 0.00002.
gnomAD v4.1: 15 of 1,516,918 alleles (0.00099%); highest among the groups gnomAD compares: Non-Finnish European, 0.0012%; no homozygotes.

Submission:

PreventionGenetics, part of Exact Sciences
Classification: Uncertain significance for AMBRA1-related condition. Last evaluated: 2023-06-25. Review status: criteria provided, single submitter. Criteria: ACMG Guidelines, 2015. Collection method: clinical testing. Allele origin: germline.
Comment: The AMBRA1 c.3883A>G variant is predicted to result in the amino acid substitution p.Arg1295Gly. To our knowledge, this variant has not been reported in the literature. This variant is reported in 0.0023% of alleles in individuals of European (Non-Finnish) descent in gnomAD. At this time, the clinical significance of this variant is uncertain due to the absence of conclusive functional and genetic evidence.